The following is an entry in ClinVar:

ClinVar aggregate classification (germline): Uncertain significance (1 of 4 stars; one submission).

Submission:

GeneDx
Classification: Uncertain significance. Last evaluated: 2026-02-18. Review status: criteria provided, single submitter. Criteria: GeneDx Variant Classification Process June 2021. Collection method: clinical testing. Allele origin: germline.
Comment: Not observed at significant frequency in large population cohorts (gnomAD); In silico analysis supports that this missense variant has a deleterious effect on protein structure/function; Has not been previously published as pathogenic or benign to our knowledge

NM_004818.3(DDX23):c.583A>G (p.Arg195Gly)

Gene: DDX23 (DEAD-box helicase 23; minus strand). Cytogenetic location: 12q13.12.
Variant type: single nucleotide variant.
Coding change: c.583A>G on transcript NM_004818.3 (MANE Select); coding-DNA position 583, A replaced by G.
Protein change: p.Arg195Gly; replaces arginine 195 with glycine.
Molecular consequence: missense variant.
Genome position (GRCh38, 1-based): chr12:48,837,978, T>C on the plus strand (A>G on the coding strand, the complement: DDX23 is on the minus strand). VCF-style: chr12-48837978-T-C. GRCh37 (hg19) VCF-style: chr12-49231761-T-C.
Other names: short protein forms R195G.
Identifiers: ClinVar variation 5008854 (VCV005008854.1).